The following is an entry in ClinVar:

NM_001379500.1(COL18A1):c.341C>T (p.Ser114Leu)

Gene: COL18A1 (collagen type XVIII alpha 1 chain; plus strand). Cytogenetic location: 21q22.3.
Variant type: single nucleotide variant.
Coding change: c.341C>T on transcript NM_001379500.1 (MANE Select); coding-DNA position 341, C replaced by T.
Protein change: p.Ser114Leu; replaces serine 114 with leucine.
Molecular consequence: missense variant.
Genome position (GRCh38, 1-based): chr21:45,468,476, C>T. VCF-style: chr21-45468476-C-T. GRCh37 (hg19) VCF-style: chr21-46888390-C-T.
Other names: c.881C>T (NM_030582.3); c.881C>T, p.Ser294Leu (NM_030582.4); c.1586C>T, p.Ser529Leu (NM_130444.3); short protein forms S529L, S114L, S294L.
Identifiers: ClinVar variation 1360676 (VCV001360676.4), dbSNP rs373861758, ClinGen allele CA10065725.

ClinVar aggregate classification (germline): Uncertain significance. Review status: criteria provided, multiple submitters, no conflicts (2 of 4 stars). 2 submissions from 2 submitters: Uncertain significance (2). Last evaluated 2025-03-17.

Conditions:
COL18A1-related disorder. Also called: COL18A1-related disorders; COL18A1-related condition.

Allele frequency attached by ClinVar (database versions not stated): gnomAD exomes 0.00001 and 0.00003; gnomAD 0.00004; ExAC 0.00005; TOPMed 0.00006; ESP Exome Variant Server 0.00008.
gnomAD v4.1: 22 of 1,613,930 alleles (0.0014%); highest among the groups gnomAD compares: Middle Eastern, 0.016%; no homozygotes.

Submissions (2):

PreventionGenetics, part of Exact Sciences
Classification: Uncertain significance for COL18A1-related condition. Last evaluated: 2025-03-17. Review status: criteria provided, single submitter. Criteria: ACMG Guidelines, 2015. Collection method: clinical testing. Allele origin: germline.
Comment: The COL18A1 c.881C>T variant is predicted to result in the amino acid substitution p.Ser294Leu. To our knowledge, this variant has not been reported in the literature. This variant is reported in 0.019% of alleles in individuals of African descent in gnomAD. At this time, the clinical significance of this variant is uncertain due to the absence of conclusive functional and genetic evidence.

Labcorp Genetics (formerly Invitae), Labcorp
Classification: Uncertain significance. Last evaluated: 2022-07-06. Review status: criteria provided, single submitter. Criteria: Invitae Variant Classification Sherloc (09022015). Collection method: clinical testing. Allele origin: germline.
Comment: This sequence change replaces serine, which is neutral and polar, with leucine, which is neutral and non-polar, at codon 114 of the COL18A1 protein (p.Ser114Leu). This variant is present in population databases (rs373861758, gnomAD 0.02%). This variant has not been reported in the literature in individuals affected with COL18A1-related conditions. ClinVar contains an entry for this variant (Variation ID: 1360676). Experimental studies and prediction algorithms are not available or were not evaluated, and the functional significance of this variant is currently unknown. In summary, the available evidence is currently insufficient to determine the role of this variant in disease. Therefore, it has been classified as a Variant of Uncertain Significance.